The following is an entry in ClinVar:

NM_003119.4(SPG7):c.43C>T (p.Pro15Ser)

Genes: SPG7 (SPG7 matrix AAA peptidase subunit, paraplegin; plus strand), LOC130059818 (ATAC-STARR-seq lymphoblastoid silent region 7911; plus strand). Cytogenetic location: 16q24.3.
Variant type: single nucleotide variant.
Coding change: c.43C>T on transcript NM_003119.4 (MANE Select); coding-DNA position 43, C replaced by T.
Protein change: p.Pro15Ser; replaces proline 15 with serine.
Molecular consequence: missense variant.
Genome position (GRCh38, 1-based): chr16:89,508,460, C>T. VCF-style: chr16-89508460-C-T. GRCh37 (hg19) VCF-style: chr16-89574868-C-T.
Other names: c.43C>T, p.Pro15Ser (NM_001363850.1, NM_199367.3); short protein forms P15S.
Identifiers: ClinVar variation 3026252 (VCV003026252.22), dbSNP rs757046310, ClinGen allele CA286519206.

ClinVar aggregate classification (germline): Uncertain significance (1 of 4 stars; one submission).

Allele frequency attached by ClinVar (database versions not stated): TOPMed below 0.00001.
gnomAD v4.1: 6 of 1,507,192 alleles (0.0004%); highest among the groups gnomAD compares: Non-Finnish European, 0.00053%; no homozygotes.

Submission:

CeGaT Center for Human Genetics Tuebingen
Classification: Uncertain significance. Last evaluated: 2024-02-01. Review status: criteria provided, single submitter. Criteria: CeGaT Center For Human Genetics Tuebingen Variant Classification Criteria Version 2. Collection method: clinical testing. Allele origin: germline. Affected: yes. Observed: 1 variant allele.
Comment: SPG7: PM2